The following is an entry in ClinVar:

NM_014915.3(ANKRD26):c.2697+4T>C

Gene: ANKRD26 (ankyrin repeat domain 26; minus strand). Cytogenetic location: 10p12.1.
Variant type: single nucleotide variant.
Coding change: c.2697+4T>C on transcript NM_014915.3 (MANE Select); 4 bases into the intron after coding-DNA position 2697, T replaced by C.
Molecular consequence: intron variant.
Genome position (GRCh38, 1-based): chr10:27,037,182, A>G on the plus strand (T>C on the coding strand, the complement: ANKRD26 is on the minus strand). VCF-style: chr10-27037182-A-G. GRCh37 (hg19) VCF-style: chr10-27326111-A-G.
Other names: c.2694+4T>C (NM_001256053.2).
Identifiers: ClinVar variation 2034549 (VCV002034549.4), dbSNP rs2538782294, ClinGen allele CA2580081611.

ClinVar aggregate classification (germline): Uncertain significance (1 of 4 stars; one submission).

Submission:

Labcorp Genetics (formerly Invitae), Labcorp
Classification: Uncertain significance. Last evaluated: 2022-10-07. Review status: criteria provided, single submitter. Criteria: Invitae Variant Classification Sherloc (09022015). Collection method: clinical testing. Allele origin: germline.
Comment: This sequence change falls in intron 23 of the ANKRD26 gene. It does not directly change the encoded amino acid sequence of the ANKRD26 protein. It affects a nucleotide within the consensus splice site. This variant is not present in population databases (gnomAD no frequency). This variant has not been reported in the literature in individuals affected with ANKRD26-related conditions. Variants that disrupt the consensus splice site are a relatively common cause of aberrant splicing (PMID: 17576681, 9536098). Algorithms developed to predict the effect of sequence changes on RNA splicing suggest that this variant is not likely to affect RNA splicing. In summary, the available evidence is currently insufficient to determine the role of this variant in disease. Therefore, it has been classified as a Variant of Uncertain Significance.

Literature cited by the submitters: PubMed 17576681; PubMed 9536098.